The following is an entry in ClinVar:

NM_012335.4(MYO1F):c.232-6T>C

Gene: MYO1F (myosin IF; minus strand). Cytogenetic location: 19p13.2.
Variant type: single nucleotide variant.
Coding change: c.232-6T>C on transcript NM_012335.4 (MANE Select); 6 bases into the intron before coding-DNA position 232, T replaced by C.
Molecular consequence: intron variant.
Genome position (GRCh38, 1-based): chr19:8,554,577, A>G on the plus strand (T>C on the coding strand, the complement: MYO1F is on the minus strand). VCF-style: chr19-8554577-A-G. GRCh37 (hg19) VCF-style: chr19-8619461-A-G.
Other names: c.232-6T>C (NM_001348355.2).
Identifiers: ClinVar variation 508102 (VCV000508102.4), dbSNP rs2913925, ClinGen allele CA9159754.

ClinVar aggregate classification (germline): Benign. Review status: criteria provided, multiple submitters, no conflicts (2 of 4 stars). 3 submissions from 3 submitters: Benign (2). 1 of the submissions does not count toward it. Last evaluated 2017-05-09.

Conditions:
MYO1F-related disorder. Also called: MYO1F-related condition.

Allele frequency attached by ClinVar (database versions not stated): gnomAD exomes 0.13830; ExAC 0.14278; 1000 Genomes Project 30x 0.15116; 1000 Genomes Project 0.15216; gnomAD 0.15822 and 0.16153; TOPMed 0.15885; ESP Exome Variant Server 0.16197.
gnomAD v4.1: 220,625 of 1,611,534 alleles (14%); highest among the groups gnomAD compares: African/African-American, 20%; 16,105 homozygotes.

Submissions (3):

GeneDx
Classification: Benign. Last evaluated: 2017-05-09. Review status: criteria provided, single submitter. Criteria: GeneDx Variant Classification (06012015). Collection method: clinical testing. Allele origin: germline. Affected: yes.
Comment: This variant is considered likely benign or benign based on one or more of the following criteria: it is a conservative change, it occurs at a poorly conserved position in the protein, it is predicted to be benign by multiple in silico algorithms, and/or has population frequency not consistent with disease.

Breakthrough Genomics
Classification: Benign. Review status: criteria provided, single submitter. Criteria: ACMG Guidelines, 2015. Collection method: not provided. Allele origin: germline. Inheritance: Unknown mechanism. Affected: yes.

PreventionGenetics, part of Exact Sciences
Classification: Benign for MYO1F-related condition. Last evaluated: 2019-12-06. Review status: no assertion criteria provided. Collection method: clinical testing. Allele origin: germline. Not counted in ClinVar's aggregate classification.
Comment: This variant is classified as benign based on ACMG/AMP sequence variant interpretation guidelines (Richards et al. 2015 PMID: 25741868, with internal and published modifications).